The following is an entry in ClinVar:

NM_014363.6(SACS):c.11965G>T (p.Val3989Phe)

Gene: SACS (sacsin molecular chaperone; minus strand). Cytogenetic location: 13q12.12.
Variant type: single nucleotide variant.
Coding change: c.11965G>T on transcript NM_014363.6 (MANE Select); coding-DNA position 11965, G replaced by T.
Protein change: p.Val3989Phe; replaces valine 3989 with phenylalanine.
Molecular consequence: missense variant.
Genome position (GRCh38, 1-based): chr13:23,331,911, C>A on the plus strand (G>T on the coding strand, the complement: SACS is on the minus strand). VCF-style: chr13-23331911-C-A. GRCh37 (hg19) VCF-style: chr13-23906050-C-A.
Other names: c.11524G>T, p.Val3842Phe (NM_001278055.2); short protein forms V3842F, V3989F.
Identifiers: ClinVar variation 1948341 (VCV001948341.8), dbSNP rs2542161839, ClinGen allele CA387508793.

ClinVar aggregate classification (germline): Uncertain significance. Review status: criteria provided, multiple submitters, no conflicts (2 of 4 stars). 2 submissions from 2 submitters: Uncertain significance (2). Last evaluated 2022-10-13.

Conditions:
Spastic paraplegia. Identifiers: MedGen C0037772, HP:0001258.
Charlevoix-Saguenay spastic ataxia (SACS). Also called: SPASTIC ATAXIA 6, AUTOSOMAL RECESSIVE; Spastic ataxia of Charlevoix-Saguenay; AUTOSOMAL RECESSIVE SPASTIC ATAXIA OF CHARLEVOIX-SAGUENAY. Identifiers: Orphanet 98, MedGen C1849140, MONDO:0010041, OMIM 270550.

Submissions (2):

Revvity Omics, Revvity
Classification: Uncertain significance for Charlevoix-Saguenay spastic ataxia. Last evaluated: 2022-10-13. Review status: criteria provided, single submitter. Criteria: ACMG Guidelines, 2015. Collection method: clinical testing. Allele origin: germline.

Labcorp Genetics (formerly Invitae), Labcorp
Classification: Uncertain significance for Spastic paraplegia. Last evaluated: 2022-06-08. Review status: criteria provided, single submitter. Criteria: Invitae Variant Classification Sherloc (09022015). Collection method: clinical testing. Allele origin: germline.
Comment: In summary, the available evidence is currently insufficient to determine the role of this variant in disease. Therefore, it has been classified as a Variant of Uncertain Significance. Advanced modeling of protein sequence and biophysical properties (such as structural, functional, and spatial information, amino acid conservation, physicochemical variation, residue mobility, and thermodynamic stability) performed at Invitae indicates that this missense variant is not expected to disrupt SACS protein function. This variant has not been reported in the literature in individuals affected with SACS-related conditions. This variant is not present in population databases (gnomAD no frequency). This sequence change replaces valine, which is neutral and non-polar, with phenylalanine, which is neutral and non-polar, at codon 3989 of the SACS protein (p.Val3989Phe).